The following is an entry in ClinVar:

NM_001013703.4(EIF2AK4):c.1424C>T (p.Thr475Met)

Gene: EIF2AK4 (eukaryotic translation initiation factor 2 alpha kinase 4; plus strand). Cytogenetic location: 15q15.1.
Variant type: single nucleotide variant.
Coding change: c.1424C>T on transcript NM_001013703.4 (MANE Select); coding-DNA position 1424, C replaced by T.
Protein change: p.Thr475Met; replaces threonine 475 with methionine.
Molecular consequence: missense variant.
Genome position (GRCh38, 1-based): chr15:39,967,750, C>T. VCF-style: chr15-39967750-C-T. GRCh37 (hg19) VCF-style: chr15-40259951-C-T.
Other names: short protein forms T475M.
Identifiers: ClinVar variation 2921015 (VCV002921015.1), dbSNP rs750136639, ClinGen allele CA7473773.

ClinVar aggregate classification (germline): Uncertain significance (1 of 4 stars; one submission).

Conditions:
Familial pulmonary capillary hemangiomatosis (PVOD2). Also called: Pulmonary venoocclusive disease 2; Pulmonary venoocclusive disease 2, autosomal recessive. Identifiers: Orphanet 199241, MedGen C0340848, MONDO:0009329, OMIM 234810.

Allele frequency attached by ClinVar (database versions not stated): gnomAD exomes 0.00002; ExAC 0.00004; gnomAD 0.00004; TOPMed 0.00005.
gnomAD v4.1: 35 of 1,614,012 alleles (0.0022%); highest among the groups gnomAD compares: Admixed American, 0.02%; no homozygotes.

Submission:

ARUP Laboratories, Molecular Genetics and Genomics, ARUP Laboratories
Classification: Uncertain significance for Familial pulmonary capillary hemangiomatosis. Last evaluated: 2023-08-18. Review status: criteria provided, single submitter. Criteria: ARUP Molecular Germline Variant Investigation Process 2024. Collection method: clinical testing. Allele origin: germline.
Comment: The EIF2AK4 c.1424C>T; p.Thr475Met variant (rs750136639), to our knowledge, is not reported in the medical literature or gene specific databases. This variant is observed in the general population with an overall allele frequency of 0.005% (15/280966 alleles) in the Genome Aggregation Database. Computational analyses are uncertain whether this variant is neutral or deleterious (REVEL: 0.248). Due to limited information, the clinical significance of this variant is uncertain at this time.